The following is an entry in ClinVar:

NM_002439.5(MSH3):c.2614G>A (p.Gly872Arg)

Gene: MSH3 (mutS homolog 3; plus strand). Cytogenetic location: 5q14.1.
Variant type: single nucleotide variant.
Coding change: c.2614G>A on transcript NM_002439.5 (MANE Select); coding-DNA position 2614, G replaced by A.
Protein change: p.Gly872Arg; replaces glycine 872 with arginine.
Molecular consequence: missense variant.
Genome position (GRCh38, 1-based): chr5:80,792,803, G>A. VCF-style: chr5-80792803-G-A. GRCh37 (hg19) VCF-style: chr5-80088622-G-A.
Other names: short protein forms G872R.
Identifiers: ClinVar variation 1484232 (VCV001484232.11), dbSNP rs2112026795, ClinGen allele CA360272975.
Genomic context (GRCh38, chr5:80,792,803, plus strand): 5'-CAAGAAGAAAGAAAAATTGTAATAAAAAATGGAAGGCACCCTGTGATTGATGTGTTGCTG[G>A]GAGAACAGGATCAATATGTCCCAAATAATACAGATTTATCAGTAAGTACCTTATGCCAAA-3'
Protein context (NP_002430.3, residues 862-882): GRHPVIDVLL[Gly872Arg]EQDQYVPNNT

ClinVar aggregate classification (germline): Uncertain significance. Review status: criteria provided, multiple submitters, no conflicts (2 of 4 stars). 2 submissions from 2 submitters: Uncertain significance (2). Last evaluated 2025-05-10.

Conditions:
Hereditary cancer-predisposing syndrome. Also called: Hereditary neoplastic syndrome; Neoplastic Syndromes, Hereditary; Hereditary Cancer Syndrome; Tumor predisposition. Identifiers: Orphanet 140162, MedGen C0027672, MeSH D009386, MONDO:0015356.

Submissions (2):

Ambry Genetics
Classification: Uncertain significance for Hereditary cancer-predisposing syndrome. Last evaluated: 2025-05-10. Review status: criteria provided, single submitter. Criteria: Ambry Variant Classification Scheme 2023. Collection method: clinical testing. Allele origin: germline.
Comment: The p.G872R variant (also known as c.2614G>A), located in coding exon 19 of the MSH3 gene, results from a G to A substitution at nucleotide position 2614. The glycine at codon 872 is replaced by arginine, an amino acid with dissimilar properties. This amino acid position is well conserved in available vertebrate species. In addition, the in silico prediction for this alteration is inconclusive. Since supporting evidence is limited at this time, the clinical significance of this alteration remains unclear.

Labcorp Genetics (formerly Invitae), Labcorp
Classification: Uncertain significance. Last evaluated: 2023-12-11. Review status: criteria provided, single submitter. Criteria: Invitae Variant Classification Sherloc (09022015). Collection method: clinical testing. Allele origin: germline.
Comment: This sequence change replaces glycine, which is neutral and non-polar, with arginine, which is basic and polar, at codon 872 of the MSH3 protein (p.Gly872Arg). This variant is not present in population databases (gnomAD no frequency). This variant has not been reported in the literature in individuals affected with MSH3-related conditions. ClinVar contains an entry for this variant (Variation ID: 1484232). An algorithm developed to predict the effect of missense changes on protein structure and function (PolyPhen-2) suggests that this variant is likely to be disruptive. In summary, the available evidence is currently insufficient to determine the role of this variant in disease. Therefore, it has been classified as a Variant of Uncertain Significance.